The following is an entry in ClinVar:

ClinVar aggregate classification (germline): Uncertain significance (1 of 4 stars; one submission).

Conditions:
Cardiac arrhythmia, ankyrin-B-related. Also called: ANKYRIN-B SYNDROME. Identifiers: Orphanet 101016, Orphanet 768, MedGen C1970119, MONDO:0010958, OMIM 600919.

Allele frequency attached by ClinVar (database versions not stated): gnomAD 0.00001.
gnomAD v4.1: 1 of 1,613,924 alleles (0.000062%); highest among the groups gnomAD compares: Admixed American, 0.0017%; no homozygotes.

Submission:

Breda Genetics srl
Classification: Uncertain significance for Cardiac arrhythmia, ankyrin-B-related. Last evaluated: 2020-10-30. Review status: criteria provided, single submitter. Criteria: ACMG Guidelines, 2015. Collection method: clinical testing. Allele origin: inherited. Inheritance: Autosomal dominant inheritance. Affected: yes. Observed: 1 variant allele, 1 heterozygote.
Comment: The variant c.7000G>A (p.Ala2334Thr) in the ANK2 gene has not been reported in dbSNP, gnomAD, 1000 Genomes, NHLI Exome Sequencing Project (ESP) or ClinVar. The nucleotide position is not conserved across 35 mammalian species (GERP RS: -2.38). In silico analysis indicates that the variant might be neutral However, especially in the setting of variable expressivity, it is advised to use in silico prediction tools with caution (PMID:29805046). Based on ACMG variant interpretation guidelines, we classify this variant as uncertain. However, based on the aforementioned evidence and the clinical phenotype, we cannot exclude that the variant may actually be pathogenic.

NM_001148.6(ANK2):c.7000G>A (p.Ala2334Thr)

Genes: ANK2 (ankyrin 2; plus strand), LOC126807137 (CDK7 strongly-dependent group 2 enhancer GRCh37_chr4:114276560-114277759; plus strand). Cytogenetic location: 4q26.
Variant type: single nucleotide variant.
Coding change: c.7000G>A on transcript NM_001148.6 (MANE Select); coding-DNA position 7000, G replaced by A.
Protein change: p.Ala2334Thr; replaces alanine 2334 with threonine.
Molecular consequence: missense variant. On other transcripts: intron variant (68).
Genome position (GRCh38, 1-based): chr4:113,355,618, G>A. VCF-style: chr4-113355618-G-A. GRCh37 (hg19) VCF-style: chr4-114276774-G-A.
Other names: c.6766G>A, p.Ala2256Thr (NM_001386142.1); c.3400G>A, p.Ala1134Thr (NM_001386166.1); c.7141G>A, p.Ala2381Thr (NM_001386174.1); c.7117G>A, p.Ala2373Thr (NM_001386175.1); c.4412-5205G>A (NM_001386186.2, NM_001386148.2); c.4214-5205G>A (NM_001354269.3); c.4292-5205G>A (NM_001386187.2); c.4253-5205G>A (NM_001386147.1); and 35 more; short protein forms A1134T, A2256T, A2334T, A2373T, A2381T.
Identifiers: ClinVar variation 1296983 (VCV001296983.1), dbSNP rs2095706081, ClinGen allele CA357929048.